The following is an entry in ClinVar:

ClinVar aggregate classification (germline): Uncertain significance (1 of 4 stars; one submission).

Submission:

GeneDx
Classification: Uncertain significance. Last evaluated: 2026-02-03. Review status: criteria provided, single submitter. Criteria: GeneDx Variant Classification Process June 2021. Collection method: clinical testing. Allele origin: germline.
Comment: Not observed at significant frequency in large population cohorts (gnomAD); Has not been previously published as pathogenic or benign to our knowledge; In silico analysis suggests that this missense variant does not alter protein structure/function

NM_014271.4(IL1RAPL1):c.1988A>G (p.Gln663Arg)

Gene: IL1RAPL1 (interleukin 1 receptor accessory protein like 1; plus strand). Cytogenetic location: Xp21.2.
Variant type: single nucleotide variant.
Coding change: c.1988A>G on transcript NM_014271.4 (MANE Select); coding-DNA position 1988, A replaced by G.
Protein change: p.Gln663Arg; replaces glutamine 663 with arginine.
Molecular consequence: missense variant.
Genome position (GRCh38, 1-based): chrX:29,955,717, A>G. VCF-style: chrX-29955717-A-G. GRCh37 (hg19) VCF-style: chrX-29973834-A-G.
Other names: short protein forms Q663R.
Identifiers: ClinVar variation 4976146 (VCV004976146.1).